The following is an entry in ClinVar:

NM_012210.4(TRIM32):c.1882G>A (p.Gly628Arg)

Genes: ASTN2 (astrotactin 2; minus strand), TRIM32 (tripartite motif containing 32; plus strand). Cytogenetic location: 9q33.1.
Variant type: single nucleotide variant.
Coding change: c.1882G>A on transcript NM_012210.4 (MANE Select); coding-DNA position 1882, G replaced by A.
Protein change: p.Gly628Arg; replaces glycine 628 with arginine.
Molecular consequence: missense variant. On other transcripts: intron variant (3).
Genome position (GRCh38, 1-based): chr9:116,699,624, G>A. VCF-style: chr9-116699624-G-A. GRCh37 (hg19) VCF-style: chr9-119461903-G-A.
Other names: c.1882G>A, p.Gly628Arg (NM_001099679.2, NM_001379048.1, NM_001379049.1 and 1 more transcripts); c.2653+26147C>T (NM_014010.5); c.2794+26147C>T (NM_001365069.1); c.2806+26147C>T (NM_001365068.1); short protein forms G628R.
Identifiers: ClinVar variation 594702 (VCV000594702.13), dbSNP rs1360716233, ClinGen allele CA374652633.
Genomic context (GRCh38, chr9:116,699,624, plus strand): 5'-TATAGTGTCCTTATTCGAGAGGGACTTACCTGTCCGGTGGGCATAGCCCTAACTCCTAAG[G>A]GGCAGCTGCTGGTCTTGGACTGTTGGGATCATTGCATCAAGATCTACAGCTACCATCTGA-3'
Protein context (NP_036342.2, residues 618-638): CPVGIALTPK[Gly628Arg]QLLVLDCWDH

ClinVar aggregate classification (germline): Uncertain significance. Review status: criteria provided, multiple submitters, no conflicts (2 of 4 stars). 4 submissions from 4 submitters: Uncertain significance (3). 1 of the submissions does not count toward it. Last evaluated 2025-10-02.

Conditions:
Bardet-Biedl syndrome (BBS). Identifiers: Orphanet 110, MedGen C0752166, MONDO:0015229.
TRIM32-related disorder. Also called: TRIM32-related condition.

Allele frequency attached by ClinVar (database versions not stated): gnomAD 0.00001; gnomAD exomes 0.00001; TOPMed 0.00001.
gnomAD v4.1: 9 of 1,614,032 alleles (0.00056%); highest among the groups gnomAD compares: Non-Finnish European, 0.00076%; no homozygotes.

Submissions (4):

Labcorp Genetics (formerly Invitae), Labcorp
Classification: Uncertain significance for Bardet-Biedl syndrome. Last evaluated: 2025-10-02. Review status: criteria provided, single submitter. Criteria: Invitae Variant Classification Sherloc (09022015). Collection method: clinical testing. Allele origin: germline.
Comment: This sequence change replaces glycine, which is neutral and non-polar, with arginine, which is basic and polar, at codon 628 of the TRIM32 protein (p.Gly628Arg). This variant is not present in population databases (gnomAD no frequency). This variant has not been reported in the literature in individuals affected with TRIM32-related conditions. ClinVar contains an entry for this variant (Variation ID: 594702). An algorithm developed to predict the effect of missense changes on protein structure and function (PolyPhen-2) suggests that this variant is likely to be disruptive. In summary, the available evidence is currently insufficient to determine the role of this variant in disease. Therefore, it has been classified as a Variant of Uncertain Significance.

Revvity Omics, Revvity
Classification: Uncertain significance. Last evaluated: 2023-07-19. Review status: criteria provided, single submitter. Criteria: ACMG Guidelines, 2015. Collection method: clinical testing. Allele origin: germline.

Eurofins Ntd Llc (ga)
Classification: Uncertain significance. Last evaluated: 2017-11-06. Review status: criteria provided, single submitter. Criteria: EGL Classification Definitions 2015. Collection method: clinical testing. Allele origin: germline. Observed: 1 variant allele, 1 heterozygote.

PreventionGenetics, part of Exact Sciences
Classification: Uncertain significance for TRIM32-related condition. Last evaluated: 2023-12-12. Review status: no assertion criteria provided. Collection method: clinical testing. Allele origin: germline. Not counted in ClinVar's aggregate classification.
Comment: The TRIM32 c.1882G>A variant is predicted to result in the amino acid substitution p.Gly628Arg. To our knowledge, this variant has not been reported in the literature or in a large population database, indicating this variant is rare. At this time, the clinical significance of this variant is uncertain due to the absence of conclusive functional and genetic evidence.